The following is an entry in ClinVar:

NM_001206927.2(DNAH8):c.9459A>G (p.Glu3153=)

Genes: DNAH8 (dynein axonemal heavy chain 8; plus strand), DNAH8-AS1 (DNAH8 antisense RNA 1; minus strand). Cytogenetic location: 6p21.2.
Variant type: single nucleotide variant.
Coding change: c.9459A>G on transcript NM_001206927.2 (MANE Select); coding-DNA position 9459, A replaced by G.
Protein change: p.Glu3153=; no amino-acid change (glutamic acid 3153 retained).
Molecular consequence: synonymous variant.
Genome position (GRCh38, 1-based): chr6:38,908,066, A>G. VCF-style: chr6-38908066-A-G. GRCh37 (hg19) VCF-style: chr6-38875842-A-G.
Other names: c.8808A>G, p.Glu2936= (NM_001371.4); c.9459A>G (NM_001206927.1).
Identifiers: ClinVar variation 2420429 (VCV002420429.16), dbSNP rs745722973, ClinGen allele CA3790476.

ClinVar aggregate classification (germline): Likely benign. Review status: criteria provided, single submitter (1 of 4 stars). 2 submissions from 2 submitters: Likely benign (1). 1 of the submissions does not count toward it. Last evaluated 2025-09-30.

Conditions:
Primary ciliary dyskinesia. Also called: Ciliary dyskinesia. Identifiers: Orphanet 244, MedGen C0008780, MONDO:0016575, HP:0012265.
DNAH8-related disorder. Also called: DNAH8-related condition.

Allele frequency attached by ClinVar (database versions not stated): ExAC 0.00001; TOPMed 0.00002; gnomAD 0.00003.
gnomAD v4.1: 13 of 1,608,964 alleles (0.00081%); highest among the groups gnomAD compares: Middle Eastern, 0.016%; no homozygotes.

Submissions (2):

Labcorp Genetics (formerly Invitae), Labcorp
Classification: Likely benign for Primary ciliary dyskinesia. Last evaluated: 2025-09-30. Review status: criteria provided, single submitter. Criteria: Invitae Variant Classification Sherloc (09022015). Collection method: clinical testing. Allele origin: germline.

PreventionGenetics, part of Exact Sciences
Classification: Likely benign for DNAH8-related condition. Last evaluated: 2019-03-25. Review status: no assertion criteria provided. Collection method: clinical testing. Allele origin: germline. Not counted in ClinVar's aggregate classification.
Comment: This variant is classified as likely benign based on ACMG/AMP sequence variant interpretation guidelines (Richards et al. 2015 PMID: 25741868, with internal and published modifications).